The following is an entry in ClinVar:

NM_000488.4(SERPINC1):c.1306G>A (p.Ala436Thr)

Gene: SERPINC1 (serpin family C member 1; minus strand). Cytogenetic location: 1q25.1.
Variant type: single nucleotide variant.
Coding change: c.1306G>A on transcript NM_000488.4 (MANE Select); coding-DNA position 1306, G replaced by A.
Protein change: p.Ala436Thr; replaces alanine 436 with threonine.
Molecular consequence: missense variant.
Genome position (GRCh38, 1-based): chr1:173,903,978, C>T on the plus strand (G>A on the coding strand, the complement: SERPINC1 is on the minus strand). VCF-style: chr1-173903978-C-T. GRCh37 (hg19) VCF-style: chr1-173873116-C-T.
Other names: A404T; NM_000488.4(SERPINC1):c.1306G>A; c.1162G>A, p.Ala388Thr (NM_001365052.2); c.1429G>A, p.Ala477Thr (NM_001386302.1); c.1387G>A, p.Ala463Thr (NM_001386303.1); c.1285G>A, p.Ala429Thr (NM_001386304.1); c.1249G>A, p.Ala417Thr (NM_001386305.1); c.1090G>A, p.Ala364Thr (NM_001386306.1); short protein forms A436T, A388T, A364T, A417T, A429T, A463T, A477T.
Identifiers: ClinVar variation 18003 (VCV000018003.7), dbSNP rs121909546, ClinGen allele CA210746.

ClinVar aggregate classification (germline): Likely pathogenic. Review status: reviewed by expert panel (3 of 4 stars). 3 submissions from 3 submitters: Likely pathogenic (1). 2 of the submissions do not count toward it. Last evaluated 2024-08-16.

Conditions:
Hereditary antithrombin deficiency (AT3D). Also called: Antithrombin III deficiency; Thrombophilia due to antithrombin III deficiency; Reduced antithrombin III activity; Antithrombin deficiency. Identifiers: Orphanet 82, MedGen C0272375, MONDO:0013144, OMIM 613118, HP:0001976.

Submissions (3):

Clingen Thrombosis Variant Curation Expert Panel, ClinGen
Classification: Likely pathogenic for Hereditary antithrombin deficiency. Last evaluated: 2024-08-16. Review status: reviewed by expert panel. Criteria: ClinGen ACMG Specifications SERPINC1 V1.0.0. Collection method: curation. Allele origin: germline. Inheritance: Autosomal dominant inheritance.
Comment: The c.1306G>A (NM_000488.4) variant in SERPINC1 is a missense variant predicted to cause substitution of alanine by threonine at amino acid 436 (p.Ala436Thr). This variant has been reported in 2 probands meeting an antithrombin activity level of < 0.8 IU/mL with either a family history of antithrombin activity levels of < 0.8 IU/mL or an abnormal crossed immunoelectrophoresis assay demonstrating decreased antithrombin function. One more proband is reported with antithrombin activity levels of < 0.8 IU/mL but no repeat testing or family history is specified so 0.5 point is awarded (PS4_Moderate; PMID:3055413, 1469094). The variant has been reported to segregate with autosomal dominant antithrombin deficiency in 11 affected meioses from one family (PP1_Moderate; PMIDs:1469094, 3055413). The computational predictor REVEL gives a score of 0.778, which is above the threshold of 0.6, evidence that correlates with impact to SERPINC1 function (PP3). This variant is absent from gnomAD v2.1.1 and gnomAD v4.1 (PM2_Supporting). In summary, this variant meets the criteria to be classified as likely pathogenic for autosomal dominant hereditary antithrombin deficiency based on the ACMG/AMP criteria applied, as specified by the ClinGen Thrombosis VCEP: PP1_Moderate, PM2_Supporting, PS4_Moderate, PP3.

Labcorp Genetics (formerly Invitae), Labcorp
Classification: Pathogenic for Hereditary antithrombin deficiency. Last evaluated: 2018-10-29. Review status: criteria provided, single submitter. Criteria: Invitae Variant Classification Sherloc (09022015). Collection method: clinical testing. Allele origin: germline. Not counted in ClinVar's aggregate classification.
Comment: For these reasons, this variant has been classified as Pathogenic. Experimental studies using both patient cells and transfected cell lines have shown that cells carrying this missense variant demonstrate reduced antithrombin activity and antigen levels (PMID: 1469094, 16620552). This variant has been reported to segregate with antithrombin deficiency in several families (PMID: 1469094, 16620552). ClinVar contains an entry for this variant (Variation ID: 18003). This variant is not present in population databases (ExAC no frequency). This sequence change replaces alanine with threonine at codon 436 of the SERPINC1 protein (p.Ala436Thr). The alanine residue is highly conserved and there is a small physicochemical difference between alanine and threonine.

OMIM
Classification: Pathogenic for THROMBOPHILIA DUE TO ANTITHROMBIN III DEFICIENCY. Last evaluated: 1988-06-16. Review status: no assertion criteria provided. Collection method: literature only. Allele origin: germline. Not counted in ClinVar's aggregate classification.

Literature cited by the submitters: PubMed 1469094 (cited by Labcorp Genetics (formerly Invitae), Labcorp); PubMed 16620552 (cited by Labcorp Genetics (formerly Invitae), Labcorp); PubMed 14347873 (cited by OMIM); PubMed 3055413 (cited by OMIM).